The following is an entry in ClinVar:

NM_000180.4(GUCY2D):c.2454C>G (p.Asp818Glu)

Gene: GUCY2D (guanylate cyclase 2D, retinal; plus strand). Cytogenetic location: 17p13.1.
Variant type: single nucleotide variant.
Coding change: c.2454C>G on transcript NM_000180.4 (MANE Select); coding-DNA position 2454, C replaced by G.
Protein change: p.Asp818Glu; replaces aspartic acid 818 with glutamic acid.
Molecular consequence: missense variant.
Genome position (GRCh38, 1-based): chr17:8,014,642, C>G. VCF-style: chr17-8014642-C-G. GRCh37 (hg19) VCF-style: chr17-7917960-C-G.
Other names: short protein forms D818E.
Identifiers: ClinVar variation 4782529 (VCV004782529.1).

ClinVar aggregate classification (germline): Uncertain significance (1 of 4 stars; one submission).

Conditions:
Leber congenital amaurosis 1 (LCA1). Also called: AMAUROSIS CONGENITA OF LEBER I; RETINAL BLINDNESS, CONGENITAL; Congenital absence of the rods and cones; Leber's congenital tapetoretinal degeneration; Leber's congenital tapetoretinal dysplasia. Identifiers: Orphanet 65, MedGen C2931258, MONDO:0008764, OMIM 204000.
Cone-rod dystrophy 6 (CORD6). Also called: RETINAL CONE DYSTROPHY 2; Cone dystrophy progressive. Identifiers: Orphanet 1872, MedGen C1866293, MONDO:0011143, OMIM 601777.

Submission:

Labcorp Genetics (formerly Invitae), Labcorp
Classification: Uncertain significance for Leber congenital amaurosis 1; Cone-rod dystrophy 6. Last evaluated: 2026-01-12. Review status: criteria provided, single submitter. Criteria: Invitae Variant Classification Sherloc (09022015). Collection method: clinical testing. Allele origin: germline.
Comment: This sequence change replaces aspartic acid, which is acidic and polar, with glutamic acid, which is acidic and polar, at codon 818 of the GUCY2D protein (p.Asp818Glu). This variant is present in population databases (no rsID available, gnomAD 0.003%). This variant has not been reported in the literature in individuals affected with GUCY2D-related conditions. Invitae Evidence Modeling of protein sequence and biophysical properties (such as structural, functional, and spatial information, amino acid conservation, physicochemical variation, residue mobility, and thermodynamic stability) indicates that this missense variant is not expected to disrupt GUCY2D protein function with a negative predictive value of 80%. In summary, the available evidence is currently insufficient to determine the role of this variant in disease. Therefore, it has been classified as a Variant of Uncertain Significance.